The following is an entry in ClinVar:

NM_024426.6(WT1):c.776G>A (p.Gly259Asp)

Gene: WT1 (WT1 transcription factor; minus strand). Cytogenetic location: 11p13.
Variant type: single nucleotide variant.
Coding change: c.776G>A on transcript NM_024426.6 (MANE Select); coding-DNA position 776, G replaced by A.
Protein change: p.Gly259Asp; replaces glycine 259 with aspartic acid.
Molecular consequence: missense variant. On other transcripts: non-coding transcript variant (1).
Genome position (GRCh38, 1-based): chr11:32,428,505, C>T on the plus strand (G>A on the coding strand, the complement: WT1 is on the minus strand). VCF-style: chr11-32428505-C-T. GRCh37 (hg19) VCF-style: chr11-32450051-C-T.
Other names: c.776G>A, p.Gly259Asp (NM_000378.6, NM_001407044.1, NM_001407045.1 and 4 more transcripts); c.125G>A, p.Gly42Asp (NM_001198551.2, NM_001198552.2); c.14G>A, p.Gly5Asp (NM_001407051.1); c.761G>A, p.Gly254Asp (NM_024425.2); c.761G>A (NM_024426.4); short protein forms G259D, G42D, G5D, G254D.
Identifiers: ClinVar variation 1444084 (VCV001444084.8), dbSNP rs1311184469, ClinGen allele CA379963267.
Genomic context (GRCh38, chr11:32,428,505, plus strand): 5'-AGGATAGCACGGAAGAAGGGGAGAAGGACTCCACTTGGTTCCGCTCGCTTACCCAGCGAG[C>T]CCTGCTGGCCCATGGGATCCTCATGCTTGAATGAGTGGTTGGGGAACTGCGCCGCATGGT-3'
Protein context (NP_077744.4, residues 249-269): FKHEDPMGQQ[Gly259Asp]SLGEQQYSVP

ClinVar aggregate classification (germline): Uncertain significance. Review status: criteria provided, multiple submitters, no conflicts (2 of 4 stars). 2 submissions from 2 submitters: Uncertain significance (2). Last evaluated 2025-12-01.

Conditions:
Inborn genetic diseases. Identifiers: MedGen C0950123, MeSH D030342.
Drash syndrome (DDS). Also called: WILMS TUMOR AND PSEUDO- OR TRUE HERMAPHRODITISM; NEPHROPATHY, WILMS TUMOR, AND GENITAL ANOMALIES. Identifiers: Orphanet 220, MedGen C0950121, MONDO:0008682, OMIM 194080.
Wilms tumor 1 (WT1). Also called: Wilms tumor, somatic. Identifiers: Orphanet 654, MedGen CN033288, MONDO:0008679, OMIM 194070.
Frasier syndrome. Identifiers: Orphanet 347, MedGen C0950122, MeSH D052159, MONDO:0007635, OMIM 136680.
11p partial monosomy syndrome (WAGR). Also called: WAGR Complex; WAGR Spectrum Disorder; WAGR syndrome; CHROMOSOME 11p13 DELETION SYNDROME. Identifiers: Orphanet 893, MedGen C0206115, MONDO:0008681, OMIM 194072.

Allele frequency attached by ClinVar (database versions not stated): gnomAD exomes below 0.00001.
gnomAD v4.1: 3 of 1,614,112 alleles (0.00019%); highest among the groups gnomAD compares: South Asian, 0.0011%; no homozygotes.

Submissions (2):

Ambry Genetics
Classification: Uncertain significance for Inborn genetic diseases. Last evaluated: 2025-12-01. Review status: criteria provided, single submitter. Criteria: Ambry Variant Classification Scheme 2023. Collection method: clinical testing. Allele origin: germline.
Comment: The p.G254D variant (also known as c.761G>A), located in coding exon 2 of the WT1 gene, results from a G to A substitution at nucleotide position 761. The glycine at codon 254 is replaced by aspartic acid, an amino acid with similar properties. This amino acid position is conserved. In addition, the in silico prediction for this alteration is inconclusive. Based on the available evidence, the clinical significance of this variant remains unclear.

Labcorp Genetics (formerly Invitae), Labcorp
Classification: Uncertain significance for Wilms tumor 1; Drash syndrome; 11p partial monosomy syndrome; Frasier syndrome. Last evaluated: 2021-11-05. Review status: criteria provided, single submitter. Criteria: Invitae Variant Classification Sherloc (09022015). Collection method: clinical testing. Allele origin: germline.
Comment: In summary, the available evidence is currently insufficient to determine the role of this variant in disease. Therefore, it has been classified as a Variant of Uncertain Significance. Algorithms developed to predict the effect of missense changes on protein structure and function are either unavailable or do not agree on the potential impact of this missense change (SIFT: "Deleterious"; PolyPhen-2: "Benign"; Align-GVGD: "Class C0"). This variant has not been reported in the literature in individuals affected with WT1-related conditions. This variant is present in population databases (no rsID available, gnomAD 0.003%). This sequence change replaces glycine, which is neutral and non-polar, with aspartic acid, which is acidic and polar, at codon 254 of the WT1 protein (p.Gly254Asp).